The following is an entry in ClinVar:

ClinVar aggregate classification (germline): Uncertain significance (1 of 4 stars; one submission).

gnomAD v4.1: 3 of 1,613,948 alleles (0.00019%); highest among the groups gnomAD compares: Non-Finnish European, 0.00025%; no homozygotes.

Submission:

Mayo Clinic Laboratories, Mayo Clinic
Classification: Uncertain significance. Last evaluated: 2025-10-17. Review status: criteria provided, single submitter. Criteria: ACMG Guidelines, 2015. Collection method: clinical testing. Allele origin: germline. Observed: 1 variant allele.
Comment: BP4_moderate, PM2_supporting

NM_000173.7(GP1BA):c.1769T>C (p.Val590Ala)

Genes: GP1BA (glycoprotein Ib platelet subunit alpha; plus strand), LOC130060044 (ATAC-STARR-seq lymphoblastoid active region 11554; plus strand). Cytogenetic location: 17p13.2.
Variant type: single nucleotide variant.
Coding change: c.1769T>C on transcript NM_000173.7 (MANE Select); coding-DNA position 1769, T replaced by C.
Protein change: p.Val590Ala; replaces valine 590 with alanine.
Molecular consequence: missense variant.
Genome position (GRCh38, 1-based): chr17:4,934,373, T>C. VCF-style: chr17-4934373-T-C. GRCh37 (hg19) VCF-style: chr17-4837668-T-C.
Other names: p.Val590Ala; short protein forms V590A.
Identifiers: ClinVar variation 4542115 (VCV004542115.1).